The following is an entry in ClinVar:

NM_002241.5(KCNJ10):c.107G>A (p.Arg36His)

Gene: KCNJ10 (potassium inwardly rectifying channel subfamily J member 10; minus strand). Cytogenetic location: 1q23.2.
Variant type: single nucleotide variant.
Coding change: c.107G>A on transcript NM_002241.5 (MANE Select); coding-DNA position 107, G replaced by A.
Protein change: p.Arg36His; replaces arginine 36 with histidine.
Molecular consequence: missense variant.
Genome position (GRCh38, 1-based): chr1:160,042,426, C>T on the plus strand (G>A on the coding strand, the complement: KCNJ10 is on the minus strand). VCF-style: chr1-160042426-C-T. GRCh37 (hg19) VCF-style: chr1-160012216-C-T.
Other names: short protein forms R36H.
Identifiers: ClinVar variation 1053296 (VCV001053296.9), dbSNP rs779913708, ClinGen allele CA1193296.

ClinVar aggregate classification (germline): Uncertain significance. Review status: criteria provided, multiple submitters, no conflicts (2 of 4 stars). 3 submissions from 3 submitters: Uncertain significance (3). Last evaluated 2024-06-11.

Conditions:
EAST syndrome (SESAMES). Also called: SEIZURES, SENSORINEURAL DEAFNESS, ATAXIA, IMPAIRED INTELLECTUAL DEVELOPMENT, AND ELECTROLYTE IMBALANCE. Identifiers: Orphanet 199343, MedGen C2748572, MONDO:0013005, OMIM 612780.
Autosomal recessive nonsyndromic hearing loss 4 (DFNB4). Also called: FOXI1-Related Pendred Syndrome; KCNJ10-Related Pendred Syndrome; Deafness, autosomal recessive 4, with enlarged vestibular aqueduct; Enlarged vestibular aqueduct, digenic; Deafness, autosomal recessive 4; DEAFNESS, AUTOSOMAL RECESSIVE 4, WITH ENLARGED VESTIBULAR AQUEDUCT, DIGENIC. Identifiers: Orphanet 90636, MedGen C3538946, MONDO:0010933, OMIM 600791.

Allele frequency attached by ClinVar (database versions not stated): TOPMed below 0.00001; gnomAD 0.00001.
gnomAD v4.1: 33 of 1,614,082 alleles (0.002%); highest among the groups gnomAD compares: East Asian, 0.0089%; no homozygotes.

Submissions (3):

Fulgent Genetics
Classification: Uncertain significance for Autosomal recessive nonsyndromic hearing loss 4; EAST syndrome. Last evaluated: 2024-06-11. Review status: criteria provided, single submitter. Criteria: ACMG Guidelines, 2015. Collection method: clinical testing. Allele origin: germline.

Labcorp Genetics (formerly Invitae), Labcorp
Classification: Uncertain significance for EAST syndrome. Last evaluated: 2024-05-24. Review status: criteria provided, single submitter. Criteria: Invitae Variant Classification Sherloc (09022015). Collection method: clinical testing. Allele origin: germline.
Comment: This sequence change replaces arginine, which is basic and polar, with histidine, which is basic and polar, at codon 36 of the KCNJ10 protein (p.Arg36His). This variant is present in population databases (rs779913708, gnomAD 0.004%). This variant has not been reported in the literature in individuals affected with KCNJ10-related conditions. ClinVar contains an entry for this variant (Variation ID: 1053296). Advanced modeling of protein sequence and biophysical properties (such as structural, functional, and spatial information, amino acid conservation, physicochemical variation, residue mobility, and thermodynamic stability) performed at Invitae indicates that this missense variant is not expected to disrupt KCNJ10 protein function with a negative predictive value of 80%. In summary, the available evidence is currently insufficient to determine the role of this variant in disease. Therefore, it has been classified as a Variant of Uncertain Significance.

Blueprint Genetics
Classification: Uncertain significance. Last evaluated: 2022-05-03. Review status: criteria provided, single submitter. Criteria: ACMG Guidelines, 2015. Collection method: clinical testing. Allele origin: germline.